The following is an entry in ClinVar:

NM_015192.4(PLCB1):c.3395G>A (p.Arg1132His)

Gene: PLCB1 (phospholipase C beta 1; plus strand). Cytogenetic location: 20p12.3.
Variant type: single nucleotide variant.
Coding change: c.3395G>A on transcript NM_015192.4 (MANE Select); coding-DNA position 3395, G replaced by A.
Protein change: p.Arg1132His; replaces arginine 1132 with histidine.
Molecular consequence: missense variant.
Genome position (GRCh38, 1-based): chr20:8,790,233, G>A. VCF-style: chr20-8790233-G-A. GRCh37 (hg19) VCF-style: chr20-8770880-G-A.
Other names: c.3395G>A, p.Arg1132His (NM_182734.3); short protein forms R1132H.
Identifiers: ClinVar variation 1730944 (VCV001730944.4), dbSNP rs765705013, ClinGen allele CA9760550.
Genomic context (GRCh38, chr20:8,790,233, plus strand): 5'-AGCTAGAAGAAGCGCAAAGTAAACGGCAAGAAAAACTCGTAGAGAAACACAAGGAAATAC[G>A]TCAGCAGATCCTGGATGAAAAGCCCAAGGTAAACGGAACTGAATTAAAATGAACAATTAT-3'
Protein context (NP_056007.1, residues 1122-1142): EKLVEKHKEI[Arg1132His]QQILDEKPKL

ClinVar aggregate classification (germline): Uncertain significance. Review status: criteria provided, multiple submitters, no conflicts (2 of 4 stars). 3 submissions from 3 submitters: Uncertain significance (3). Last evaluated 2024-12-06.

Conditions:
Inborn genetic diseases. Identifiers: MedGen C0950123, MeSH D030342.

Allele frequency attached by ClinVar (database versions not stated): ExAC 0.00001; gnomAD 0.00001; gnomAD exomes 0.00001; TOPMed 0.00001.
gnomAD v4.1: 14 of 1,611,384 alleles (0.00087%); highest among the groups gnomAD compares: East Asian, 0.013%; no homozygotes.

Submissions (3):

GeneDx
Classification: Uncertain significance. Last evaluated: 2024-12-06. Review status: criteria provided, single submitter. Criteria: GeneDx Variant Classification Process June 2021. Collection method: clinical testing. Allele origin: germline. Affected: yes.
Comment: Not observed at significant frequency in large population cohorts (gnomAD); In silico analysis indicates that this missense variant does not alter protein structure/function; Has not been previously published as pathogenic or benign to our knowledge

Blueprint Genetics
Classification: Uncertain significance. Last evaluated: 2023-06-19. Review status: criteria provided, single submitter. Criteria: ACMG Guidelines, 2015. Collection method: clinical testing. Allele origin: germline.

Ambry Genetics
Classification: Uncertain significance for Inborn genetic diseases. Last evaluated: 2018-11-30. Review status: criteria provided, single submitter. Criteria: Ambry Variant Classification Scheme 2023. Collection method: clinical testing. Allele origin: germline.
Comment: The p.R1132H variant (also known as c.3395G>A), located in coding exon 31 of the PLCB1 gene, results from a G to A substitution at nucleotide position 3395. The arginine at codon 1132 is replaced by histidine, an amino acid with highly similar properties. This amino acid position is highly conserved in available vertebrate species. In addition, the in silico prediction for this alteration is inconclusive. Since supporting evidence is limited at this time, the clinical significance of this alteration remains unclear.